The following continues an entry in ClinVar:

NM_000891.3(KCNJ2):c.199C>T (p.Arg67Trp)

Gene: KCNJ2. ClinVar aggregate classification (germline): Pathogenic. Pathogenic (11).

Submissions 8 to 15 of 15:

ARUP Laboratories, Molecular Genetics and Genomics, ARUP Laboratories
Classification: Pathogenic. Last evaluated: 2018-12-05. Review status: criteria provided, single submitter. Criteria: ARUP Molecular Germline Variant Investigation Process. Collection method: clinical testing. Allele origin: germline.
Comment: The KCNJ2 c.199C>T; p.Arg67Trp variant (rs104894580), is reported in the literature in multiple individuals and families affected with Andersen-Tawil syndrome (ATS), catecholaminergic polymorphic ventricular tachycardia (CPVT), and isolated periodic paralysis (Andelfinger 2002, Chun 2004, Donaldson 2003, Haruna 2007, Jabbari 2013, Kimura 2012, Lieve 2013, Tan 2012). This variant is reported as pathogenic by multiple laboratories in ClinVar (Variation ID: 8923), and is absent from general population databases (1000 Genomes Project, Exome Variant Server, and Genome Aggregation Database), indicating it is not a common polymorphism. The arginine at codon 67 is highly conserved, and computational analyses (SIFT, PolyPhen-2) predict that this variant is deleterious. Functional analyses of the variant protein show loss of channel function, dominant negative effects, and decreased PIP2 binding that inhibits channel function (Andelfinger 2002, Donaldson 2003). Based on available information, the p.Arg67Trp variant is considered to be pathogenic. References: Andelfinger G et al. KCNJ2 mutation results in Andersen syndrome with sex-specific cardiac and skeletal muscle phenotypes. Am J Hum Genet. 2002 Sep;71(3):663-8. Chun TU et al. Polymorphic ventricular tachycardia and KCNJ2 mutations. Heart Rhythm. 2004 Jul;1(2):235-41. Donaldson MR et al. PIP2 binding residues of Kir2.1 are common targets of mutations causing Andersen syndrome. Neurology. 2003 Jun 10;60(11):1811-6. Haruna Y et al. Genotype-phenotype correlations of KCNJ2 mutations in Japanese patients with Andersen-Tawil syndrome. Hum Mutat. 2007 Feb;28(2):208. Jabbari J et al. New exome data question the pathogenicity of genetic variants previously associated with catecholaminergic polymorphic ventricular tachycardia. Circ Cardiovasc Genet. 2013 Oct;6(5):481-9. Kimura H et al. Phenotype variability in patients carrying KCNJ2 mutations. Circ Cardiovasc Genet. 2012 Jun;5(3):344-53. Lieve KV et al. Results of genetic testing in 855 consecutive unrelated patients referred for long QT syndrome in a clinical laboratory. Genet Test Mol Biomarkers. 2013 Jul;17(7):553-61. Tan SV et al. Membrane dysfunction in Andersen-Tawil syndrome assessed by velocity recovery cycles. Muscle Nerve. 2012 Aug;46(2):193-203.

Fulgent Genetics
Classification: Pathogenic for Andersen Tawil syndrome; Short QT syndrome type 3; Atrial fibrillation, familial, 9. Last evaluated: 2018-10-31. Review status: criteria provided, single submitter. Criteria: ACMG Guidelines, 2015. Collection method: clinical testing. Allele origin: unknown.

Athena Diagnostics
Classification: Pathogenic. Last evaluated: 2016-07-13. Review status: criteria provided, single submitter. Criteria: Athena Diagnostics Criteria. Collection method: clinical testing. Allele origin: germline.

Juno Genomics, Hangzhou Juno Genomics, Inc
Classification: Pathogenic for Andersen Tawil syndrome; Atrial fibrillation, familial, 9; Short QT syndrome type 3. Review status: criteria provided, single submitter. Criteria: ACMG Guidelines, 2015. Collection method: clinical testing. Allele origin: germline. Affected: yes.
Comment: Absent from controls (or at extremely low frequency if recessive) in Genome Aggregation Database.;Multiple lines of computational evidence support a deleterious effect on the gene or gene product.;Missense variant in a gene that has a low rate of benign missense variation.;The prevalence of the variant in affected individuals is significantly increased compared to the prevalence in controls.;De novo (both maternity and paternity confirmed) in a patient with the disease and no family history.;Co-segregation with disease in multiple affected family members.

Department of Neurology and Geriatrics, Kagoshima University Graduate School of Medical and Dental Sciences
Classification: Pathogenic for Andersen Tawil syndrome. Last evaluated: 2022-04-12. Review status: no assertion criteria provided. Collection method: research. Allele origin: germline. Affected: yes. Not counted in ClinVar's aggregate classification.

OMIM
Classification: Pathogenic for ANDERSEN CARDIODYSRHYTHMIC PERIODIC PARALYSIS. Last evaluated: 2002-09-01. Review status: no assertion criteria provided. Collection method: literature only. Allele origin: germline. Not counted in ClinVar's aggregate classification.

Cardiovascular Biomedical Research Unit, Royal Brompton & Harefield NHS Foundation Trust
No classification provided. Condition: Familial long QT syndrome. Review status: no classification provided. Collection method: literature only. Allele origin: germline. Not counted in ClinVar's aggregate classification.
Comment: This variant has been reported in the following publications (PMID:12148092;PMID:12796536;PMID:15851159;PMID:16217063;PMID:17221872).

GeneReviews
No classification provided. Condition: Andersen Tawil syndrome. Review status: no classification provided. Collection method: literature only. Allele origin: germline. Not counted in ClinVar's aggregate classification.

Literature cited by the submitters: PubMed 12148092 (cited by 7 submitters); PubMed 12796536 (cited by 5 submitters); PubMed 17221872 (cited by 5 submitters); PubMed 22589293 (cited by 3 submitters); PubMed 22806368 (cited by 3 submitters); PubMed 23867365 (cited by Labcorp Genetics (formerly Invitae), Labcorp and Ambry Genetics); PubMed 20713726 (cited by Labcorp Genetics (formerly Invitae), Labcorp and Athena Diagnostics); PubMed 15851159 (cited by 3 submitters); PubMed 16217063 (cited by 4 submitters); PubMed 23631430 (cited by Ambry Genetics); PubMed 24025405 (cited by Ambry Genetics and Athena Diagnostics); PubMed 24721648 (cited by Ambry Genetics and Athena Diagnostics); PubMed 31068157 (cited by Ambry Genetics); PubMed 15911703 (cited by Athena Diagnostics); PubMed 17655675 (cited by Athena Diagnostics); PubMed 15757667 (cited by Athena Diagnostics); PubMed 11861044 (cited by OMIM); PubMed 11841151 (cited by OMIM); PubMed 22581653 (cited by Cardiovascular Biomedical Research Unit, Royal Brompton & Harefield NHS Foundation Trust).